The following is an entry in ClinVar:

ClinVar aggregate classification (germline): Uncertain significance (1 of 4 stars; one submission).

Conditions:
Autosomal dominant nonsyndromic hearing loss 1. Also called: KONIGSMARK SYNDROME; DEAFNESS, AUTOSOMAL DOMINANT 1, WITH OR WITHOUT THROMBOCYTOPENIA. Identifiers: Orphanet 90635, MedGen C1852282, MONDO:0007424, OMIM 124900.
Progressive microcephaly-seizures-cortical blindness-developmental delay syndrome. Also called: Seizures, cortical blindness, and microcephaly syndrome. Identifiers: Orphanet 477814, MedGen C5567650, MONDO:0014714, OMIM 616632.

Allele frequency attached by ClinVar (database versions not stated): gnomAD exomes 0.00001; TOPMed 0.00001.
gnomAD v4.1: 11 of 1,613,316 alleles (0.00068%); highest among the groups gnomAD compares: Non-Finnish European, 0.00093%; no homozygotes.

Submission:

Labcorp Genetics (formerly Invitae), Labcorp
Classification: Uncertain significance for Progressive microcephaly-seizures-cortical blindness-developmental delay syndrome; Autosomal dominant nonsyndromic hearing loss 1. Last evaluated: 2023-04-15. Review status: criteria provided, single submitter. Criteria: Invitae Variant Classification Sherloc (09022015). Collection method: clinical testing. Allele origin: germline.
Comment: In summary, the available evidence is currently insufficient to determine the role of this variant in disease. Therefore, it has been classified as a Variant of Uncertain Significance. Experimental studies and prediction algorithms are not available or were not evaluated, and the functional significance of this variant is currently unknown. This variant has not been reported in the literature in individuals affected with DIAPH1-related conditions. This variant is not present in population databases (gnomAD no frequency). This sequence change replaces isoleucine, which is neutral and non-polar, with valine, which is neutral and non-polar, at codon 120 of the DIAPH1 protein (p.Ile120Val).

NM_005219.5(DIAPH1):c.358A>G (p.Ile120Val)

Gene: DIAPH1 (diaphanous related formin 1; minus strand). Cytogenetic location: 5q31.3.
Variant type: single nucleotide variant.
Coding change: c.358A>G on transcript NM_005219.5 (MANE Select); coding-DNA position 358, A replaced by G.
Protein change: p.Ile120Val; replaces isoleucine 120 with valine.
Molecular consequence: missense variant.
Genome position (GRCh38, 1-based): chr5:141,584,168, T>C on the plus strand (A>G on the coding strand, the complement: DIAPH1 is on the minus strand). VCF-style: chr5-141584168-T-C. GRCh37 (hg19) VCF-style: chr5-140963735-T-C.
Other names: c.331A>G, p.Ile111Val (NM_001079812.3); c.358A>G, p.Ile120Val (NM_001314007.2); short protein forms I111V, I120V.
Identifiers: ClinVar variation 2946749 (VCV002946749.3), dbSNP rs2099897194, ClinGen allele CA361543727.
Genomic context (GRCh38, chr5:141,584,168, plus strand): 5'-CTGTCCCAGGACTCACAGCCTTGGAGGTGTACAAGTATTGGGACACCATCTCCCTCTTGA[T>C]GATGATGTCCTTCTCCCTCAAAGGTTGCTGTTTCTCCTCATTCAGGTTCATATCCAGCTA-3'
Protein context (NP_005210.3, residues 110-130): QQPLREKDII[Ile120Val]KREMVSQYLY